The following is an entry in ClinVar:

NM_000094.4(COL7A1):c.4927G>T (p.Gly1643Cys)

Gene: COL7A1 (collagen type VII alpha 1 chain; minus strand). Cytogenetic location: 3p21.31.
Variant type: single nucleotide variant.
Coding change: c.4927G>T on transcript NM_000094.4 (MANE Select); coding-DNA position 4927, G replaced by T.
Protein change: p.Gly1643Cys; replaces glycine 1643 with cysteine.
Molecular consequence: missense variant.
Genome position (GRCh38, 1-based): chr3:48,581,130, C>A on the plus strand (G>T on the coding strand, the complement: COL7A1 is on the minus strand). VCF-style: chr3-48581130-C-A. GRCh37 (hg19) VCF-style: chr3-48618563-C-A.
Other names: short protein forms G1643C.
Identifiers: ClinVar variation 4774859 (VCV004774859.1).

ClinVar aggregate classification (germline): Uncertain significance (1 of 4 stars; one submission).

Submission:

Labcorp Genetics (formerly Invitae), Labcorp
Classification: Uncertain significance. Last evaluated: 2025-12-06. Review status: criteria provided, single submitter. Criteria: Invitae Variant Classification Sherloc (09022015). Collection method: clinical testing. Allele origin: germline.
Comment: This sequence change replaces glycine, which is neutral and non-polar, with cysteine, which is neutral and slightly polar, at codon 1643 of the COL7A1 protein (p.Gly1643Cys). This variant is not present in population databases (gnomAD no frequency). This variant has not been reported in the literature in individuals affected with COL7A1-related conditions. Invitae Evidence Modeling of protein sequence and biophysical properties (such as structural, functional, and spatial information, amino acid conservation, physicochemical variation, residue mobility, and thermodynamic stability) indicates that this missense variant is expected to disrupt COL7A1 protein function with a positive predictive value of 95%. This variant disrupts the triple helix domain of COL7A1. Glycine residues within the Gly-Xaa-Yaa repeats of the triple helix domain are required for the structure and stability of fibrillar collagens (PMID: 7695699, 8218237, 19344236), and variants at these glycine residues in COL7A1 are more frequently observed in individuals with disease than in the general population (PMID: 22058051). However, the clinical significance of this observation remains uncertain since only a limited number of affected individuals have been described to date. In summary, the available evidence is currently insufficient to determine the role of this variant in disease. Therefore, it has been classified as a Variant of Uncertain Significance.

Literature cited by the submitters: PubMed 7695699; PubMed 8218237; PubMed 19344236; PubMed 22058051.